The following is an entry in ClinVar:

NM_006531.5(IFT88):c.197C>G (p.Ala66Gly)

Gene: IFT88 (intraflagellar transport 88; plus strand). Cytogenetic location: 13q12.11.
Variant type: single nucleotide variant.
Coding change: c.197C>G on transcript NM_006531.5 (MANE Select); coding-DNA position 197, C replaced by G.
Protein change: p.Ala66Gly; replaces alanine 66 with glycine.
Molecular consequence: missense variant. On other transcripts: 5 prime UTR variant (1), non-coding transcript variant (3), intron variant (4).
Genome position (GRCh38, 1-based): chr13:20,589,854, C>G. VCF-style: chr13-20589854-C-G. GRCh37 (hg19) VCF-style: chr13-21163993-C-G.
Other names: c.224C>G, p.Ala75Gly (NM_001318493.2, NM_001353565.2, NM_001353566.2 and 6 more transcripts); c.197C>G, p.Ala66Gly (NM_001353568.2, NM_001353571.2, NM_001353572.2 and 1 more transcripts); c.-367C>G (NM_001353579.2); c.154-1113C>G (NM_001353575.2, NM_001318491.2, NM_001353573.2 and 1 more transcripts); short protein forms A66G, A75G.
Identifiers: ClinVar variation 2813816 (VCV002813816.3), dbSNP rs2548019455, ClinGen allele CA387471469.

ClinVar aggregate classification (germline): Uncertain significance (1 of 4 stars; one submission).

Submission:

Labcorp Genetics (formerly Invitae), Labcorp
Classification: Uncertain significance. Last evaluated: 2022-11-12. Review status: criteria provided, single submitter. Criteria: Invitae Variant Classification Sherloc (09022015). Collection method: clinical testing. Allele origin: germline.
Comment: In summary, the available evidence is currently insufficient to determine the role of this variant in disease. Therefore, it has been classified as a Variant of Uncertain Significance. Algorithms developed to predict the effect of sequence changes on RNA splicing suggest that this variant may disrupt the consensus splice site. Algorithms developed to predict the effect of missense changes on protein structure and function are either unavailable or do not agree on the potential impact of this missense change (SIFT: "Not Available"; PolyPhen-2: "Benign"; Align-GVGD: "Not Available"). This variant has not been reported in the literature in individuals affected with IFT88-related conditions. This variant is not present in population databases (gnomAD no frequency). This sequence change replaces alanine, which is neutral and non-polar, with glycine, which is neutral and non-polar, at codon 75 of the IFT88 protein (p.Ala75Gly).